The following is an entry in ClinVar:

ClinVar aggregate classification (germline): Pathogenic/Likely pathogenic. Review status: criteria provided, multiple submitters, no conflicts (2 of 4 stars). 2 submissions from 2 submitters: Pathogenic (1); Likely pathogenic (1). Last evaluated 2023-11-19.

Conditions:
Retinal dystrophy. Also called: Inherited retinal dystrophy. Identifiers: Orphanet 71862, MedGen C0854723, MeSH D058499, MONDO:0019118, HP:0000556.

Submissions (2):

Labcorp Genetics (formerly Invitae), Labcorp
Classification: Pathogenic. Last evaluated: 2023-11-19. Review status: criteria provided, single submitter. Criteria: Invitae Variant Classification Sherloc (09022015). Collection method: clinical testing. Allele origin: germline.
Comment: This sequence change replaces serine, which is neutral and polar, with asparagine, which is neutral and polar, at codon 144 of the BEST1 protein (p.Ser144Asn). This variant is not present in population databases (gnomAD no frequency). This missense change has been observed in individuals with autosomal dominant Best vitelliform macular dystrophy (PMID: 20057343, 27078032, 31519547). Advanced modeling of protein sequence and biophysical properties (such as structural, functional, and spatial information, amino acid conservation, physicochemical variation, residue mobility, and thermodynamic stability) performed at Invitae indicates that this missense variant is expected to disrupt BEST1 protein function with a positive predictive value of 95%. For these reasons, this variant has been classified as Pathogenic.

Institute of Human Genetics, Univ. Regensburg, Univ. Regensburg
Classification: Likely pathogenic for Retinal dystrophy. Last evaluated: 2016-01-01. Review status: criteria provided, single submitter. Criteria: ACMG Guidelines, 2015. Collection method: clinical testing. Allele origin: germline. Affected: yes.

Literature cited by the submitters: PubMed 20057343 (cited by Labcorp Genetics (formerly Invitae), Labcorp and Institute of Human Genetics, Univ. Regensburg, Univ. Regensburg); PubMed 27078032 (cited by Labcorp Genetics (formerly Invitae), Labcorp and Institute of Human Genetics, Univ. Regensburg, Univ. Regensburg); PubMed 31519547 (cited by Labcorp Genetics (formerly Invitae), Labcorp and Institute of Human Genetics, Univ. Regensburg, Univ. Regensburg).

NM_004183.4(BEST1):c.431G>A (p.Ser144Asn)

Gene: BEST1 (bestrophin 1; plus strand). Cytogenetic location: 11q12.3.
Variant type: single nucleotide variant.
Coding change: c.431G>A on transcript NM_004183.4 (MANE Select); coding-DNA position 431, G replaced by A.
Protein change: p.Ser144Asn; replaces serine 144 with asparagine.
Molecular consequence: missense variant. On other transcripts: non-coding transcript variant (1).
Genome position (GRCh38, 1-based): chr11:61,955,901, G>A. VCF-style: chr11-61955901-G-A. GRCh37 (hg19) VCF-style: chr11-61723373-G-A.
Other names: c.251G>A, p.Ser84Asn (NM_001139443.3, NM_001300786.2, NM_001300787.2); c.113G>A, p.Ser38Asn (NM_001363591.3); c.431G>A, p.Ser144Asn (NM_001363592.2); c.-745G>A (NM_001363593.3); short protein forms S38N, S84N, S144N.
Identifiers: ClinVar variation 2735628 (VCV002735628.4), dbSNP rs778771960, ClinGen allele CA380835274.
Genomic context (GRCh38, chr11:61,955,901, plus strand): 5'-TGCGGCGCACGCTCATCCGCTACGCCAACCTGGGCAACGTGCTCATCCTGCGCAGCGTCA[G>A]CACCGCAGTCTACAAGCGCTTCCCCAGCGCCCAGCACCTGGTGCAAGCAGGTGGGCGGAC-3'
Protein context (NP_004174.1, residues 134-154): LGNVLILRSV[Ser144Asn]TAVYKRFPSA